The following is an entry in ClinVar:

NM_153676.4(USH1C):c.2410G>A (p.Ala804Thr)

Gene: USH1C (USH1 protein network component harmonin; minus strand). Cytogenetic location: 11p15.1.
Variant type: single nucleotide variant.
Coding change: c.2410G>A on transcript NM_153676.4 (MANE Select); coding-DNA position 2410, G replaced by A.
Protein change: p.Ala804Thr; replaces alanine 804 with threonine.
Molecular consequence: missense variant. On other transcripts: non-coding transcript variant (1).
Genome position (GRCh38, 1-based): chr11:17,498,242, C>T on the plus strand (G>A on the coding strand, the complement: USH1C is on the minus strand). VCF-style: chr11-17498242-C-T. GRCh37 (hg19) VCF-style: chr11-17519789-C-T.
Other names: c.1453G>A, p.Ala485Thr (NM_001297764.2); c.1510G>A, p.Ala504Thr (NM_005709.4); short protein forms A504T, A804T, A485T.
Identifiers: ClinVar variation 178563 (VCV000178563.25), dbSNP rs150593932, ClinGen allele CA182565.

ClinVar aggregate classification (germline): Conflicting classifications of pathogenicity. Review status: criteria provided, conflicting classifications (1 of 4 stars). 7 submissions from 7 submitters: Uncertain significance (4); Likely benign (3). Last evaluated 2026-01-19.

Conditions:
USH1C-related disorder. Also called: USH1C-related condition.
Usher syndrome type 1C. Also called: USHER SYNDROME, TYPE I, ACADIAN VARIETY. Identifiers: Orphanet 231169, Orphanet 886, MedGen C1848604, MONDO:0010171, OMIM 276904.

Allele frequency attached by ClinVar (database versions not stated): ExAC 0.00041; 1000 Genomes Project 30x 0.00141; 1000 Genomes Project 0.00180; gnomAD 0.00001 and 0.00018; TOPMed 0.00003; ESP Exome Variant Server 0.00008; gnomAD exomes 0.00017 and 0.00030.
gnomAD v4.1: 272 of 1,614,158 alleles (0.017%); highest among the groups gnomAD compares: South Asian, 0.28%; 1 homozygote.

Submissions (7):

Labcorp Genetics (formerly Invitae), Labcorp
Classification: Likely benign. Last evaluated: 2026-01-19. Review status: criteria provided, single submitter. Criteria: Invitae Variant Classification Sherloc (09022015). Collection method: clinical testing. Allele origin: germline.

PreventionGenetics, part of Exact Sciences
Classification: Likely benign for USH1C-related condition. Last evaluated: 2025-02-13. Review status: criteria provided, single submitter. Criteria: ACMG Guidelines, 2015. Collection method: clinical testing. Allele origin: germline.
Comment: This variant is classified as likely benign based on ACMG/AMP sequence variant interpretation guidelines (Richards et al. 2015 PMID: 25741868, with internal and published modifications).

Blueprint Genetics
Classification: Uncertain significance. Last evaluated: 2023-04-27. Review status: criteria provided, single submitter. Criteria: ACMG Guidelines, 2015. Collection method: clinical testing. Allele origin: germline.

GeneDx
Classification: Likely benign. Last evaluated: 2020-08-05. Review status: criteria provided, single submitter. Criteria: GeneDx Variant Classification Process June 2021. Collection method: clinical testing. Allele origin: germline. Affected: yes.
Comment: See Variant Classification Assertion Criteria.

Illumina Laboratory Services, Illumina
Classification: Uncertain significance for Usher syndrome type 1C. Last evaluated: 2018-01-13. Review status: criteria provided, single submitter. Criteria: ICSL Variant Classification Criteria 13 December 2019. Collection method: clinical testing. Allele origin: germline.

Center for Pediatric Genomic Medicine, Children's Mercy Hospital and Clinics
Classification: Uncertain significance. Last evaluated: 2017-01-24. Review status: criteria provided, single submitter. Criteria: ACMG Guidelines, 2015. Collection method: clinical testing. Allele origin: germline.
ClinVar note: Converted during submission from Uncertain Significance to Uncertain significance.

Laboratory for Molecular Medicine, Mass General Brigham Personalized Medicine
Classification: Uncertain significance. Last evaluated: 2014-04-30. Review status: criteria provided, single submitter. Criteria: LMM Criteria. Collection method: clinical testing. Allele origin: germline. Observed: 1 variant allele.
Comment: The Ala804Thr variant in USH1C has not been previously reported in individuals w ith hearing loss, but has been identified in 0.01% (1/8586) of European American chromosomes by the NHLBI Exome Sequencing Project (/EVS/; dbSNP rs150593932). Computational prediction tools and conservation analy ses do not provide strong support for or against an impact to the protein. In su mmary, the clinical significance of the Ala804Thr variant is uncertain.